The following is an entry in ClinVar:

ClinVar aggregate classification (germline): Uncertain significance. Review status: criteria provided, multiple submitters, no conflicts (2 of 4 stars). 4 submissions from 4 submitters: Uncertain significance (4). Last evaluated 2025-08-23.

Conditions:
Hereditary cancer-predisposing syndrome. Also called: Neoplastic Syndromes, Hereditary; Hereditary neoplastic syndrome; Tumor predisposition; Hereditary Cancer Syndrome. Identifiers: Orphanet 140162, MedGen C0027672, MeSH D009386, MONDO:0015356.
Paragangliomas with sensorineural hearing loss. Identifiers: MedGen C1868633.
Pheochromocytoma. Also called: MAX-Related Hereditary Paraganglioma-Pheochromocytoma Syndrome. Identifiers: Orphanet 29072, MedGen C0031511, MONDO:0008233, OMIM 171300, HP:0002666.
Cowden syndrome 3 (CWS3). Identifiers: Orphanet 201, MedGen CN166604, MONDO:0014045.
Carney-Stratakis syndrome. Also called: PARAGANGLIOMA AND GASTROINTESTINAL STROMAL TUMOR. Identifiers: Orphanet 97286, MedGen C1847319, MONDO:0011740, OMIM 606864.
Hereditary pheochromocytoma and paraganglioma. Also called: Hereditary Paraganglioma-Pheochromocytoma Syndromes; Hereditary paragangliomas and pheochromocytomas; Hereditary pheochromocytoma-paraganglioma. Identifiers: Orphanet 29072, MedGen C4274332, MONDO:0017366.

Allele frequency attached by ClinVar (database versions not stated): gnomAD exomes below 0.00001; TOPMed below 0.00001.
gnomAD v4.1: 1 of 1,610,932 alleles (0.000062%); highest among the groups gnomAD compares: Non-Finnish European, 0.000085%; no homozygotes.

Submissions (4):

Ambry Genetics
Classification: Uncertain significance for Hereditary cancer-predisposing syndrome. Last evaluated: 2025-08-23. Review status: criteria provided, single submitter. Criteria: Ambry Variant Classification Scheme 2023. Collection method: clinical testing. Allele origin: germline.
Comment: The p.V153A variant (also known as c.458T>C), located in coding exon 4 of the SDHD gene, results from a T to C substitution at nucleotide position 458. The valine at codon 153 is replaced by alanine, an amino acid with similar properties. This amino acid position is conserved. In addition, this alteration is predicted to be deleterious by in silico analysis. Since supporting evidence is limited at this time, the clinical significance of this alteration remains unclear.

Labcorp Genetics (formerly Invitae), Labcorp
Classification: Uncertain significance for Carney-Stratakis syndrome; Paragangliomas with sensorineural hearing loss; Pheochromocytoma; Cowden syndrome 3. Last evaluated: 2025-05-30. Review status: criteria provided, single submitter. Criteria: Invitae Variant Classification Sherloc (09022015). Collection method: clinical testing. Allele origin: germline.
Comment: This sequence change replaces valine, which is neutral and non-polar, with alanine, which is neutral and non-polar, at codon 153 of the SDHD protein (p.Val153Ala). This variant is not present in population databases (gnomAD no frequency). This variant has not been reported in the literature in individuals affected with SDHD-related conditions. ClinVar contains an entry for this variant (Variation ID: 465240). Invitae Evidence Modeling of protein sequence and biophysical properties (such as structural, functional, and spatial information, amino acid conservation, physicochemical variation, residue mobility, and thermodynamic stability) indicates that this missense variant is expected to disrupt SDHD protein function with a positive predictive value of 95%. In summary, the available evidence is currently insufficient to determine the role of this variant in disease. Therefore, it has been classified as a Variant of Uncertain Significance.

All of Us Research Program, National Institutes of Health
Classification: Uncertain significance for Hereditary pheochromocytoma and paraganglioma. Last evaluated: 2023-05-04. Review status: criteria provided, single submitter. Criteria: ACMG Guidelines, 2015. Collection method: clinical testing. Allele origin: germline. Inheritance: Autosomal dominant inheritance. Observed: 1 variant allele, 1 heterozygote.
Comment: This missense variant replaces valine with alanine at codon 153 of the SDHD protein. Computational prediction suggests that this variant may have deleterious impact on protein structure and function (internally defined REVEL score threshold >= 0.7, PMID: 27666373). To our knowledge, functional studies have not been reported for this variant. This variant has not been reported in individuals affected with SDHD-related disorders in the literature. This variant has not been identified in the general population by the Genome Aggregation Database (gnomAD). The available evidence is insufficient to determine the role of this variant in disease conclusively. Therefore, this variant is classified as a Variant of Uncertain Significance.

This study involves interpretation of variants in research participants for the purpose of population health screening. Participant phenotype was not available at the time of variant classification. Additional details can be found in publication PMID: 35346344, PMCID: PMC8962531

Quest Diagnostics Nichols Institute San Juan Capistrano
Classification: Uncertain significance. Last evaluated: 2023-03-22. Review status: criteria provided, single submitter. Criteria: Quest Diagnostics criteria. Collection method: clinical testing. Allele origin: unknown.
Comment: The variant has not been reported in the published literature. It also has not been reported in large, multi-ethnic general populations. Analysis of this variant using bioinformatics tools for the prediction of the effect of amino acid changes on protein structure and function yielded predictions that this variant is damaging. Based on the available information, we are unable to determine the clinical significance of this variant.

NM_003002.4(SDHD):c.458T>C (p.Val153Ala)

Gene: SDHD (succinate dehydrogenase complex subunit D; plus strand). Cytogenetic location: 11q23.1.
Variant type: single nucleotide variant.
Coding change: c.458T>C on transcript NM_003002.4 (MANE Select); coding-DNA position 458, T replaced by C.
Protein change: p.Val153Ala; replaces valine 153 with alanine.
Molecular consequence: missense variant. On other transcripts: 3 prime UTR variant (2), non-coding transcript variant (1).
Genome position (GRCh38, 1-based): chr11:112,094,948, T>C. VCF-style: chr11-112094948-T-C. GRCh37 (hg19) VCF-style: chr11-111965672-T-C.
Other names: c.*55T>C (NM_001276503.2); c.341T>C, p.Val114Ala (NM_001276504.2); c.*156T>C (NM_001276506.2); short protein forms V153A, V114A.
Identifiers: ClinVar variation 465240 (VCV000465240.16), dbSNP rs1555187644, ClinGen allele CA382619535.